The following is an entry in ClinVar:

ClinVar aggregate classification (germline): Pathogenic. Review status: criteria provided, multiple submitters, no conflicts (2 of 4 stars). 2 submissions from 2 submitters: Pathogenic (2). Last evaluated 2025-10-06.

Conditions:
Carnitine acylcarnitine translocase deficiency (CACTD). Identifiers: Orphanet 159, MedGen C0342791, MONDO:0008918, OMIM 212138.

Allele frequency attached by ClinVar (database versions not stated): gnomAD 0.00001; ExAC 0.00002; gnomAD exomes 0.00002.
gnomAD v4.1: 24 of 1,613,752 alleles (0.0015%); highest among the groups gnomAD compares: Non-Finnish European, 0.0019%; no homozygotes.

Submissions (2):

Labcorp Genetics (formerly Invitae), Labcorp
Classification: Pathogenic for Carnitine acylcarnitine translocase deficiency. Last evaluated: 2025-10-06. Review status: criteria provided, single submitter. Criteria: Invitae Variant Classification Sherloc (09022015). Collection method: clinical testing. Allele origin: germline.
Comment: This sequence change creates a premature translational stop signal (p.Gln101*) in the SLC25A20 gene. It is expected to result in an absent or disrupted protein product. Loss-of-function variants in SLC25A20 are known to be pathogenic (PMID: 25614308). This variant is present in population databases (rs752042051, gnomAD 0.002%). This variant has not been reported in the literature in individuals affected with SLC25A20-related conditions. ClinVar contains an entry for this variant (Variation ID: 2918004). For these reasons, this variant has been classified as Pathogenic.

Baylor Genetics
Classification: Pathogenic for Carnitine acylcarnitine translocase deficiency. Last evaluated: 2024-01-23. Review status: criteria provided, single submitter. Criteria: ACMG Guidelines, 2015. Collection method: clinical testing. Allele origin: unknown.

Literature cited by the submitters: PubMed 25614308 (cited by Labcorp Genetics (formerly Invitae), Labcorp).

NM_000387.6(SLC25A20):c.301C>T (p.Gln101Ter)

Gene: SLC25A20 (solute carrier family 25 member 20; minus strand). Cytogenetic location: 3p21.31.
Variant type: single nucleotide variant.
Coding change: c.301C>T on transcript NM_000387.6 (MANE Select); coding-DNA position 301, C replaced by T.
Protein change: p.Gln101Ter; replaces glutamine 101 with a stop codon.
Molecular consequence: nonsense.
Genome position (GRCh38, 1-based): chr3:48,884,022, G>A on the plus strand (C>T on the coding strand, the complement: SLC25A20 is on the minus strand). VCF-style: chr3-48884022-G-A. GRCh37 (hg19) VCF-style: chr3-48921455-G-A.
Other names: short protein forms Q101*.
Identifiers: ClinVar variation 2918004 (VCV002918004.4), dbSNP rs752042051, ClinGen allele CA2387442.